The following is an entry in ClinVar:

ClinVar aggregate classification (germline): Likely pathogenic (1 of 4 stars; one submission).

Submission:

GeneDx
Classification: Likely pathogenic. Last evaluated: 2018-08-23. Review status: criteria provided, single submitter. Criteria: GeneDx Variant Classification (06012015). Collection method: clinical testing. Allele origin: germline. Affected: yes.
Comment: The c.825dupC variant has not been published as a pathogenic variant, nor has it been reported as a benign variant to our knowledge. The c.825dupC variant is not observed in large population cohorts (Lek et al., 2016). The duplication causes a frameshift starting with codon Glycine 276, changes this amino acid to an Arginine residue and creates a premature Stop codon at position 20 of the new reading frame, denoted p.Gly276ArgfsX20. This pathogenic variant is predicted to cause loss of normal protein function through protein truncation as the last 234 amino acids of the protein are replaced with 19 aberrant amino acids. We classify this variant as likely pathogenic.

NM_000346.4(SOX9):c.825dup (p.Gly276fs)

Gene: SOX9 (SRY-box transcription factor 9; plus strand). Cytogenetic location: 17q24.3.
Variant type: Duplication.
Coding change: c.825dup on transcript NM_000346.4 (MANE Select); coding-DNA position 825, one base duplicated (C; older notation c.825dupC).
Protein change: p.Gly276fs; shifts the reading frame from glycine 276.
Molecular consequence: frameshift variant.
Genome position (GRCh38, 1-based): chr17:72,123,682, C duplicated. VCF-style (leftmost placement, unchanged base first): chr17-72123681-T-TC. GRCh37 (hg19) VCF-style: chr17-70119822-T-TC.
Other names: short protein forms G276fs.
Identifiers: ClinVar variation 817208 (VCV000817208.1), dbSNP rs1598176495, ClinGen allele CA915952174.